The following is an entry in ClinVar:

ClinVar aggregate classification (germline): Likely benign (0 of 4 stars; one submission).

Conditions:
HSPA1L-related disorder. Also called: HSPA1L-related condition.

Allele frequency attached by ClinVar (database versions not stated): TOPMed below 0.00001; gnomAD 0.00001; gnomAD exomes 0.00001.

Submission:

PreventionGenetics, part of Exact Sciences
Classification: Likely benign for HSPA1L-related condition. Last evaluated: 2019-05-10. Review status: no assertion criteria provided. Collection method: clinical testing. Allele origin: germline.
Comment: This variant is classified as likely benign based on ACMG/AMP sequence variant interpretation guidelines (Richards et al. 2015 PMID: 25741868, with internal and published modifications).

NM_005527.4(HSPA1L):c.9T>G (p.Thr3=)

Gene: HSPA1L (heat shock protein family A (Hsp70) member 1 like; minus strand). Cytogenetic location: 6p21.33.
Variant type: single nucleotide variant.
Coding change: c.9T>G on transcript NM_005527.4 (MANE Select); coding-DNA position 9, T replaced by G.
Protein change: p.Thr3=; no amino-acid change (threonine 3 retained).
Molecular consequence: synonymous variant.
Genome position (GRCh38, 1-based): chr6:31,811,964, A>C on the plus strand (T>G on the coding strand, the complement: HSPA1L is on the minus strand). VCF-style: chr6-31811964-A-C. GRCh37 (hg19) VCF-style: chr6-31779741-A-C.
Identifiers: ClinVar variation 3041479 (VCV003041479.2), dbSNP rs1369180706, ClinGen allele CA449805284.
Genomic context (GRCh38, chr6:31,811,964, plus strand): 5'-GAACACCCCCACACAGGAGTAGGTGGTGCCCAGGTCGATGCCTATGGCGATTCCCTTGGC[A>C]GTAGCCATGGTTCTCTGAGGCCTATGGAGAAAGAATAAGATACTGTTTTGGGAGAGTGCT-3'
Protein context (NP_005518.3, residues 1-13): MA[Thr3=]AKGIAIGIDL